The following is an entry in ClinVar:

NM_014000.3(VCL):c.3130C>T (p.Arg1044Trp)

Gene: VCL (vinculin; plus strand). Cytogenetic location: 10q22.2.
Variant type: single nucleotide variant.
Coding change: c.3130C>T on transcript NM_014000.3 (MANE Select); coding-DNA position 3130, C replaced by T.
Protein change: p.Arg1044Trp; replaces arginine 1044 with tryptophan.
Molecular consequence: missense variant.
Genome position (GRCh38, 1-based): chr10:74,114,364, C>T. VCF-style: chr10-74114364-C-T. GRCh37 (hg19) VCF-style: chr10-75874122-C-T.
Other names: c.2926C>T, p.Arg976Trp (NM_003373.4); short protein forms R976W, R1044W.
Identifiers: ClinVar variation 3467790 (VCV003467790.1).

ClinVar aggregate classification (germline): Uncertain significance (1 of 4 stars; one submission).

Conditions:
Cardiovascular phenotype. Identifiers: MedGen CN230736.

gnomAD v4.1: 3 of 1,613,254 alleles (0.00019%); highest among the groups gnomAD compares: Non-Finnish European, 0.00025%; no homozygotes.

Submission:

Ambry Genetics
Classification: Uncertain significance for Cardiovascular phenotype. Last evaluated: 2024-06-27. Review status: criteria provided, single submitter. Criteria: Ambry Variant Classification Scheme 2023. Collection method: clinical testing. Allele origin: germline.
Comment: The p.R1044W variant (also known as c.3130C>T), located in coding exon 20 of the VCL gene, results from a C to T substitution at nucleotide position 3130. The arginine at codon 1044 is replaced by tryptophan, an amino acid with dissimilar properties. This amino acid position is conserved. In addition, the in silico prediction for this alteration is inconclusive. Based on the available evidence, the clinical significance of this variant remains unclear.